The following is an entry in ClinVar:

NM_004840.3(ARHGEF6):c.250-4A>G

Gene: ARHGEF6 (Rac/Cdc42 guanine nucleotide exchange factor 6; minus strand). Cytogenetic location: Xq26.3.
Variant type: single nucleotide variant.
Coding change: c.250-4A>G on transcript NM_004840.3 (MANE Select); 4 bases into the intron before coding-DNA position 250, A replaced by G.
Molecular consequence: intron variant.
Genome position (GRCh38, 1-based): chrX:136,747,596, T>C on the plus strand (A>G on the coding strand, the complement: ARHGEF6 is on the minus strand). VCF-style: chrX-136747596-T-C. GRCh37 (hg19) VCF-style: chrX-135829755-T-C.
Other names: c.-213-4A>G (NM_001306177.2).
Identifiers: ClinVar variation 2661523 (VCV002661523.24), dbSNP rs752277646, ClinGen allele CA10528605.

ClinVar aggregate classification (germline): Likely benign (1 of 4 stars; one submission).

Allele frequency attached by ClinVar (database versions not stated): gnomAD exomes 0.00007; ExAC 0.00009; TOPMed 0.00012; gnomAD 0.00015.
gnomAD v4.1: 90 of 1,170,103 alleles (0.0077%); highest among the groups gnomAD compares: Non-Finnish European, 0.01%; no homozygotes.

Submission:

CeGaT Center for Human Genetics Tuebingen
Classification: Likely benign. Last evaluated: 2023-01-01. Review status: criteria provided, single submitter. Criteria: CeGaT Center For Human Genetics Tuebingen Variant Classification Criteria Version 2. Collection method: clinical testing. Allele origin: germline. Affected: yes. Observed: 1 variant allele.
Comment: ARHGEF6: BP4, BS2